The following is an entry in ClinVar:

NM_018026.4(PACS1):c.1762A>C (p.Lys588Gln)

Gene: PACS1 (phosphofurin acidic cluster sorting protein 1; plus strand). Cytogenetic location: 11q13.2.
Variant type: single nucleotide variant.
Coding change: c.1762A>C on transcript NM_018026.4 (MANE Select); coding-DNA position 1762, A replaced by C.
Protein change: p.Lys588Gln; replaces lysine 588 with glutamine.
Molecular consequence: missense variant.
Genome position (GRCh38, 1-based): chr11:66,232,990, A>C. VCF-style: chr11-66232990-A-C. GRCh37 (hg19) VCF-style: chr11-66000461-A-C.
Other names: short protein forms K588Q.
Identifiers: ClinVar variation 3381600 (VCV003381600.1).

ClinVar aggregate classification (germline): Uncertain significance (1 of 4 stars; one submission).

Submission:

GeneDx
Classification: Uncertain significance. Last evaluated: 2024-05-20. Review status: criteria provided, single submitter. Criteria: GeneDx Variant Classification Process June 2021. Collection method: clinical testing. Allele origin: germline. Affected: yes.
Comment: Not observed at significant frequency in large population cohorts (gnomAD); In silico analysis indicates that this missense variant does not alter protein structure/function; Has not been previously published as pathogenic or benign to our knowledge